The following is an entry in ClinVar:

NM_000081.4(LYST):c.3991G>A (p.Asp1331Asn)

Gene: LYST (lysosomal trafficking regulator; minus strand). Cytogenetic location: 1q42.3.
Variant type: single nucleotide variant.
Coding change: c.3991G>A on transcript NM_000081.4 (MANE Select); coding-DNA position 3991, G replaced by A.
Protein change: p.Asp1331Asn; replaces aspartic acid 1331 with asparagine.
Molecular consequence: missense variant.
Genome position (GRCh38, 1-based): chr1:235,800,335, C>T on the plus strand (G>A on the coding strand, the complement: LYST is on the minus strand). VCF-style: chr1-235800335-C-T. GRCh37 (hg19) VCF-style: chr1-235963635-C-T.
Other names: c.3991G>A (NM_000081.2); c.3991G>A, p.Asp1331Asn (NM_001301365.1); short protein forms D1331N.
Identifiers: ClinVar variation 874940 (VCV000874940.12), dbSNP rs373840046, ClinGen allele CA1466950.
Genomic context (GRCh38, chr1:235,800,335, plus strand): 5'-CATAAAATAATTTCAGAGCTATTGTTTAAAACAGTTTCAACTTACCTTGAAAATCAGAAT[C>T]ATCCTGTGTTAAAATACTCAAGAACCCTCCTAAAAGATTTTTCACAGTTCCCTGAAGATT-3'
Protein context (NP_000072.2, residues 1321-1341): GGFLSILTQD[Asp1331Asn]SDFQACQRVL

ClinVar aggregate classification (germline): Uncertain significance. Review status: criteria provided, multiple submitters, no conflicts (2 of 4 stars). 6 submissions from 6 submitters: Uncertain significance (6). Last evaluated 2024-11-02.

Conditions:
Chédiak-Higashi syndrome (CHS). Also called: Chediak-Higashi Syndrome. Identifiers: Orphanet 167, MedGen C0007965, MONDO:0008963, OMIM 214500.
Inborn genetic diseases. Identifiers: MedGen C0950123, MeSH D030342.

Allele frequency attached by ClinVar (database versions not stated): gnomAD exomes 0.00002; ExAC 0.00003; gnomAD 0.00003; TOPMed 0.00003; ESP Exome Variant Server 0.00008.
gnomAD v4.1: 37 of 1,586,282 alleles (0.0023%); highest among the groups gnomAD compares: Middle Eastern, 0.1%; no homozygotes.

Submissions (6):

GeneDx
Classification: Uncertain significance. Last evaluated: 2024-11-02. Review status: criteria provided, single submitter. Criteria: GeneDx Variant Classification Process June 2021. Collection method: clinical testing. Allele origin: germline. Affected: yes.
Comment: Observed in a patient with HIV and tuberculosis who developed immune reconstitution inflammatory syndrome (IRIS) after starting antiretroviral therapy (PMID: 37040388); Not observed at significant frequency in large population cohorts (gnomAD); In silico analysis indicates that this missense variant does not alter protein structure/function; This variant is associated with the following publications: (PMID: 37040388)

Blueprint Genetics
Classification: Uncertain significance. Last evaluated: 2024-11-01. Review status: criteria provided, single submitter. Criteria: ACMG Guidelines, 2015. Collection method: clinical testing. Allele origin: germline.

Labcorp Genetics (formerly Invitae), Labcorp
Classification: Uncertain significance for Chédiak-Higashi syndrome. Last evaluated: 2022-08-22. Review status: criteria provided, single submitter. Criteria: Invitae Variant Classification Sherloc (09022015). Collection method: clinical testing. Allele origin: germline.
Comment: This sequence change replaces aspartic acid, which is acidic and polar, with asparagine, which is neutral and polar, at codon 1331 of the LYST protein (p.Asp1331Asn). This variant is present in population databases (rs373840046, gnomAD 0.01%). This variant has not been reported in the literature in individuals affected with LYST-related conditions. ClinVar contains an entry for this variant (Variation ID: 874940). Algorithms developed to predict the effect of missense changes on protein structure and function output the following: SIFT: "Tolerated"; PolyPhen-2: "Probably Damaging"; Align-GVGD: "Class C0". The asparagine amino acid residue is found in multiple mammalian species, which suggests that this missense change does not adversely affect protein function. In summary, the available evidence is currently insufficient to determine the role of this variant in disease. Therefore, it has been classified as a Variant of Uncertain Significance.

Ambry Genetics
Classification: Uncertain significance for Inborn genetic diseases. Last evaluated: 2021-07-13. Review status: criteria provided, single submitter. Criteria: Ambry Variant Classification Scheme 2023. Collection method: clinical testing. Allele origin: germline.

Revvity Omics, Revvity
Classification: Uncertain significance for Chédiak-Higashi syndrome. Last evaluated: 2019-09-03. Review status: criteria provided, single submitter. Criteria: ACMG Guidelines, 2015. Collection method: clinical testing. Allele origin: germline.

Illumina Laboratory Services, Illumina
Classification: Uncertain significance for Chédiak-Higashi syndrome. Last evaluated: 2018-01-13. Review status: criteria provided, single submitter. Criteria: ICSL Variant Classification Criteria 13 December 2019. Collection method: clinical testing. Allele origin: germline.